The following is an entry in ClinVar:

ClinVar aggregate classification (germline): Benign. Review status: criteria provided, multiple submitters, no conflicts (2 of 4 stars). 2 submissions from 2 submitters: Benign (2). Last evaluated 2018-06-19.

Allele frequency attached by ClinVar (database versions not stated): gnomAD exomes 0.20531; gnomAD 0.26591 and 0.26854; TOPMed 0.28042; 1000 Genomes Project 30x 0.28873; 1000 Genomes Project 0.29093.
gnomAD v4.1: 304,101 of 1,433,192 alleles (21%); highest among the groups gnomAD compares: African/African-American, 48%; 36,115 homozygotes.

Submissions (2):

GeneDx
Classification: Benign. Last evaluated: 2018-06-19. Review status: criteria provided, single submitter. Criteria: GeneDx Variant Classification (06012015). Collection method: clinical testing. Allele origin: germline. Affected: yes.
Comment: This variant is considered likely benign or benign based on one or more of the following criteria: it is a conservative change, it occurs at a poorly conserved position in the protein, it is predicted to be benign by multiple in silico algorithms, and/or has population frequency not consistent with disease.

Breakthrough Genomics
Classification: Benign. Review status: criteria provided, single submitter. Criteria: ACMG Guidelines, 2015. Collection method: not provided. Allele origin: germline. Inheritance: Autosomal recessive inheritance. Affected: yes.

NM_000046.5(ARSB):c.313-81G>A

Gene: ARSB (arylsulfatase B; minus strand). Cytogenetic location: 5q14.1.
Variant type: single nucleotide variant.
Coding change: c.313-81G>A on transcript NM_000046.5 (MANE Select); 81 bases into the intron before coding-DNA position 313, G replaced by A.
Molecular consequence: intron variant.
Genome position (GRCh38, 1-based): chr5:78,969,273, C>T on the plus strand (G>A on the coding strand, the complement: ARSB is on the minus strand). VCF-style: chr5-78969273-C-T. GRCh37 (hg19) VCF-style: chr5-78265096-C-T.
Other names: c.313-81G>A (NM_198709.3).
Identifiers: ClinVar variation 682477 (VCV000682477.2), dbSNP rs918580, ClinGen allele CA15418139.